The following is an entry in ClinVar:

ClinVar aggregate classification (germline): Uncertain significance. Review status: criteria provided, multiple submitters, no conflicts (2 of 4 stars). 2 submissions from 2 submitters: Uncertain significance (2). Last evaluated 2026-05-06.

Conditions:
Multiple congenital anomalies-hypotonia-seizures syndrome 1 (MCAHS1). Also called: GLYCOSYLPHOSPHATIDYLINOSITOL BIOSYNTHESIS DEFECT 3; PIGN-CDG; Congenital disorder of glycosylation due to PIGN deficiency. Identifiers: Orphanet 280633, MedGen C3279775, MONDO:0013563, OMIM 614080.

Allele frequency attached by ClinVar (database versions not stated): gnomAD exomes below 0.00001; TOPMed below 0.00001.
gnomAD v4.1: 4 of 1,405,130 alleles (0.00028%); highest among the groups gnomAD compares: South Asian, 0.0013%; no homozygotes.

Submissions (2):

GeneDx
Classification: Uncertain significance. Last evaluated: 2026-05-06. Review status: criteria provided, single submitter. Criteria: GeneDx Variant Classification Process June 2021. Collection method: clinical testing. Allele origin: germline.
Comment: Not observed at significant frequency in large population cohorts (gnomAD); In silico analysis supports a deleterious effect on splicing; In silico analysis suggests that this missense variant does not alter protein structure/function; Has not been previously published as pathogenic or benign to our knowledge

Labcorp Genetics (formerly Invitae), Labcorp
Classification: Uncertain significance for Multiple congenital anomalies-hypotonia-seizures syndrome 1. Last evaluated: 2021-08-28. Review status: criteria provided, single submitter. Criteria: Invitae Variant Classification Sherloc (09022015). Collection method: clinical testing. Allele origin: germline.
Comment: This sequence change replaces glutamine with arginine at codon 656 of the PIGN protein (p.Gln656Arg). The glutamine residue is moderately conserved and there is a small physicochemical difference between glutamine and arginine. This variant is not present in population databases (ExAC no frequency). This variant has not been reported in the literature in individuals affected with PIGN-related conditions. Algorithms developed to predict the effect of missense changes on protein structure and function are either unavailable or do not agree on the potential impact of this missense change (SIFT: "Tolerated"; PolyPhen-2: "Possibly Damaging"; Align-GVGD: "Class C0"). Algorithms developed to predict the effect of sequence changes on RNA splicing suggest that this variant may disrupt the consensus splice site. In summary, the available evidence is currently insufficient to determine the role of this variant in disease. Therefore, it has been classified as a Variant of Uncertain Significance.

NM_176787.5(PIGN):c.1967A>G (p.Gln656Arg)

Gene: PIGN (phosphatidylinositol glycan anchor biosynthesis class N; minus strand). Cytogenetic location: 18q21.33.
Variant type: single nucleotide variant.
Coding change: c.1967A>G on transcript NM_176787.5 (MANE Select); coding-DNA position 1967, A replaced by G.
Protein change: p.Gln656Arg; replaces glutamine 656 with arginine.
Molecular consequence: missense variant.
Genome position (GRCh38, 1-based): chr18:62,102,795, T>C on the plus strand (A>G on the coding strand, the complement: PIGN is on the minus strand). VCF-style: chr18-62102795-T-C. GRCh37 (hg19) VCF-style: chr18-59770028-T-C.
Other names: c.1967A>G, p.Gln656Arg (NM_012327.6); c.1967A>G (NM_176787.4); short protein forms Q656R.
Identifiers: ClinVar variation 998699 (VCV000998699.8), dbSNP rs1338840913, ClinGen allele CA402603941.
Genomic context (GRCh38, chr18:62,102,795, plus strand): 5'-CATAAGACACATTTCAGTATATCATTAGTATAACATAGTATTGAAAATCTGTAACTGACC[T>C]GTAACAGATGTACCAATAGCTCTTCCTTTATAAAGCTATCTTTTCTTTTCATGAGAGATG-3'
Protein context (NP_789744.1, residues 646-666): IKEELLVHLL[Gln656Arg]VLSTVLSMYV